The following is an entry in ClinVar:

ClinVar aggregate classification (germline): Uncertain significance (1 of 4 stars; one submission).

Allele frequency attached by ClinVar (database versions not stated): TOPMed below 0.00001.

Submission:

Labcorp Genetics (formerly Invitae), Labcorp
Classification: Uncertain significance. Last evaluated: 2022-06-20. Review status: criteria provided, single submitter. Criteria: Invitae Variant Classification Sherloc (09022015). Collection method: clinical testing. Allele origin: germline.
Comment: In summary, the available evidence is currently insufficient to determine the role of this variant in disease. Therefore, it has been classified as a Variant of Uncertain Significance. Algorithms developed to predict the effect of missense changes on protein structure and function output the following: SIFT: "Tolerated"; PolyPhen-2: "Possibly Damaging"; Align-GVGD: "Class C0". The methionine amino acid residue is found in multiple mammalian species, which suggests that this missense change does not adversely affect protein function. This variant has not been reported in the literature in individuals affected with GPAA1-related conditions. This variant is not present in population databases (gnomAD no frequency). This sequence change replaces valine, which is neutral and non-polar, with methionine, which is neutral and non-polar, at codon 589 of the GPAA1 protein (p.Val589Met).

NM_003801.4(GPAA1):c.1765G>A (p.Val589Met)

Gene: GPAA1 (glycosylphosphatidylinositol anchor attachment 1; plus strand). Cytogenetic location: 8q24.3.
Variant type: single nucleotide variant.
Coding change: c.1765G>A on transcript NM_003801.4 (MANE Select); coding-DNA position 1765, G replaced by A.
Protein change: p.Val589Met; replaces valine 589 with methionine.
Molecular consequence: missense variant.
Genome position (GRCh38, 1-based): chr8:144,086,024, G>A. VCF-style: chr8-144086024-G-A. GRCh37 (hg19) VCF-style: chr8-145140927-G-A.
Other names: short protein forms V589M.
Identifiers: ClinVar variation 1391836 (VCV001391836.8), dbSNP rs1835990717, ClinGen allele CA372509161.
Genomic context (GRCh38, chr8:144,086,024, plus strand): 5'-GAGGCGCCACTGTCACTGGCCGAGGGCTGGCAGCTCTTCCTGGCAGCGCTAGCCCAGGGT[G>A]TGCTGGAGCACCACACCTACGGCGCCCTGCTCTTCCCACTGCTGTCCCTGGGCCTCTACC-3'
Protein context (NP_003792.1, residues 579-599): QLFLAALAQG[Val589Met]LEHHTYGALL